The following is an entry in ClinVar:

ClinVar aggregate classification (germline): Uncertain significance (1 of 4 stars; one submission).

Allele frequency attached by ClinVar (database versions not stated): TOPMed below 0.00001; gnomAD 0.00001; gnomAD exomes 0.00001; ESP Exome Variant Server 0.00008.
gnomAD v4.1: 4 of 1,613,222 alleles (0.00025%); highest among the groups gnomAD compares: Non-Finnish European, 0.00034%; no homozygotes.

Submission:

Women's Health and Genetics/Laboratory Corporation of America, LabCorp
Classification: Uncertain significance. Last evaluated: 2026-04-24. Review status: criteria provided, single submitter. Criteria: LabCorp Variant Classification Summary - May 2015. Collection method: clinical testing. Allele origin: germline.
Comment: Variant summary: ATP2B1 c.3455T>C (p.Ile1152Thr) results in a non-conservative amino acid change in the encoded protein sequence. Algorithms developed to predict the effect of missense changes on protein structure and function are either unavailable or do not agree on the potential impact of this missense change. The variant was absent in 251200 control chromosomes. The available data on variant occurrences in the general population are insufficient to allow any conclusion about variant significance. To our knowledge, no occurrence of c.3455T>C in individuals affected with ATP2B1-related conditions and no experimental evidence demonstrating its impact on protein function have been reported. ClinVar contains an entry for this variant (Variation ID: 3233557). Based on the evidence outlined above, the variant was classified as uncertain significance.

NM_001366521.1(ATP2B1):c.3455T>C (p.Ile1152Thr)

Gene: ATP2B1 (ATPase plasma membrane Ca2+ transporting 1; minus strand). Cytogenetic location: 12q21.33.
Variant type: single nucleotide variant.
Coding change: c.3455T>C on transcript NM_001366521.1 (MANE Select); coding-DNA position 3455, T replaced by C.
Protein change: p.Ile1152Thr; replaces isoleucine 1152 with threonine.
Molecular consequence: missense variant. On other transcripts: 3 prime UTR variant (9), non-coding transcript variant (3).
Genome position (GRCh38, 1-based): chr12:89,591,192, A>G on the plus strand (T>C on the coding strand, the complement: ATP2B1 is on the minus strand). VCF-style: chr12-89591192-A-G. GRCh37 (hg19) VCF-style: chr12-89984969-A-G.
Other names: c.*78T>C (NM_001001323.2, NM_001366523.1, NM_001366528.1 and 2 more transcripts); c.3455T>C, p.Ile1152Thr (NM_001366520.1, NM_001366522.1, NM_001413046.1 and 2 more transcripts); c.3542T>C, p.Ile1181Thr (NM_001366524.1, NM_001366525.1); c.*91T>C (NM_001366526.1, NM_001366527.1, NM_001366529.1 and 1 more transcripts); c.3416T>C, p.Ile1139Thr (NM_001413048.1); c.3347T>C, p.Ile1116Thr (NM_001413049.1, NM_001413050.1); c.3314T>C, p.Ile1105Thr (NM_001413051.1, NM_001413052.1); c.3257T>C, p.Ile1086Thr (NM_001413053.1); and 5 more; short protein forms I1001T, I1067T, I1069T, I1071T, I1086T, I1105T, I1116T, I1139T.
Identifiers: ClinVar variation 3233557 (VCV003233557.3), dbSNP rs375435006, ClinGen allele CA241184197.